The following is an entry in ClinVar:

ClinVar aggregate classification (germline): Uncertain significance (1 of 4 stars; one submission).

Conditions:
Maple syrup urine disease (MSUD). Identifiers: Orphanet 511, MedGen C0024776, MeSH D008375, MONDO:0009563. Disease mechanism: loss of function.

Allele frequency attached by ClinVar (database versions not stated): gnomAD 0.00001; TOPMed 0.00005.
gnomAD v4.1: 18 of 1,553,622 alleles (0.0012%); highest among the groups gnomAD compares: African/African-American, 0.0014%; no homozygotes.

Submission:

Labcorp Genetics (formerly Invitae), Labcorp
Classification: Uncertain significance for Maple syrup urine disease. Last evaluated: 2023-11-27. Review status: criteria provided, single submitter. Criteria: Invitae Variant Classification Sherloc (09022015). Collection method: clinical testing. Allele origin: germline.
Comment: This sequence change replaces arginine, which is basic and polar, with histidine, which is basic and polar, at codon 387 of the BCKDHA protein (p.Arg387His). This variant is present in population databases (no rsID available, gnomAD 0.006%). This variant has not been reported in the literature in individuals affected with BCKDHA-related conditions. ClinVar contains an entry for this variant (Variation ID: 1413773). Advanced modeling of protein sequence and biophysical properties (such as structural, functional, and spatial information, amino acid conservation, physicochemical variation, residue mobility, and thermodynamic stability) performed at Invitae indicates that this missense variant is expected to disrupt BCKDHA protein function with a positive predictive value of 80%. In summary, the available evidence is currently insufficient to determine the role of this variant in disease. Therefore, it has been classified as a Variant of Uncertain Significance.

NM_000709.4(BCKDHA):c.1160G>A (p.Arg387His)

Gene: BCKDHA (branched chain keto acid dehydrogenase E1 subunit alpha; plus strand). Cytogenetic location: 19q13.2.
Variant type: single nucleotide variant.
Coding change: c.1160G>A on transcript NM_000709.4 (MANE Select); coding-DNA position 1160, G replaced by A.
Protein change: p.Arg387His; replaces arginine 387 with histidine.
Molecular consequence: missense variant.
Genome position (GRCh38, 1-based): chr19:41,423,162, G>A. VCF-style: chr19-41423162-G-A. GRCh37 (hg19) VCF-style: chr19-41929067-G-A.
Other names: c.1157G>A, p.Arg386His (NM_001164783.2); short protein forms R387H, R386H.
Identifiers: ClinVar variation 1413773 (VCV001413773.7), dbSNP rs1052314774, ClinGen allele CA308525494.